The following is an entry in ClinVar:

NM_005431.2(XRCC2):c.613T>G (p.Ser205Ala)

Gene: XRCC2 (X-ray repair cross complementing 2; minus strand). Cytogenetic location: 7q36.1.
Variant type: single nucleotide variant.
Coding change: c.613T>G on transcript NM_005431.2 (MANE Select); coding-DNA position 613, T replaced by G.
Protein change: p.Ser205Ala; replaces serine 205 with alanine.
Molecular consequence: missense variant.
Genome position (GRCh38, 1-based): chr7:152,648,872, A>C on the plus strand (T>G on the coding strand, the complement: XRCC2 is on the minus strand). VCF-style: chr7-152648872-A-C. GRCh37 (hg19) VCF-style: chr7-152345957-A-C.
Other names: p.S205A:TCA>GCA; short protein forms S205A.
Identifiers: ClinVar variation 182997 (VCV000182997.25), dbSNP rs56103026, ClinGen allele CA300477.

ClinVar aggregate classification (germline): Conflicting classifications of pathogenicity. Review status: criteria provided, conflicting classifications (1 of 4 stars). 7 submissions from 7 submitters: Uncertain significance (4); Likely benign (3). Last evaluated 2025-10-06.

Conditions:
Fanconi anemia complementation group U. Identifiers: MedGen C4310651, MONDO:0014987, OMIM 617247.
Hereditary cancer-predisposing syndrome. Also called: Tumor predisposition; Neoplastic Syndromes, Hereditary; Hereditary neoplastic syndrome; Hereditary Cancer Syndrome. Identifiers: Orphanet 140162, MedGen C0027672, MeSH D009386, MONDO:0015356.

Allele frequency attached by ClinVar (database versions not stated): TOPMed 0.00019; ESP Exome Variant Server 0.00031; gnomAD exomes 0.00001 and 0.00002; ExAC 0.00002; gnomAD 0.00017.
gnomAD v4.1: 52 of 1,613,896 alleles (0.0032%); highest among the groups gnomAD compares: African/African-American, 0.052%; no homozygotes.

Submissions (7):

Labcorp Genetics (formerly Invitae), Labcorp
Classification: Uncertain significance. Last evaluated: 2025-10-06. Review status: criteria provided, single submitter. Criteria: Invitae Variant Classification Sherloc (09022015). Collection method: clinical testing. Allele origin: germline.
Comment: This sequence change replaces serine, which is neutral and polar, with alanine, which is neutral and non-polar, at codon 205 of the XRCC2 protein (p.Ser205Ala). This variant is present in population databases (rs56103026, gnomAD 0.05%). This variant has not been reported in the literature in individuals affected with XRCC2-related conditions. ClinVar contains an entry for this variant (Variation ID: 182997). Invitae Evidence Modeling of protein sequence and biophysical properties (such as structural, functional, and spatial information, amino acid conservation, physicochemical variation, residue mobility, and thermodynamic stability) indicates that this missense variant is not expected to disrupt XRCC2 protein function with a negative predictive value of 80%. In summary, the available evidence is currently insufficient to determine the role of this variant in disease. Therefore, it has been classified as a Variant of Uncertain Significance.

Ambry Genetics
Classification: Likely benign for Hereditary cancer-predisposing syndrome. Last evaluated: 2023-12-06. Review status: criteria provided, single submitter. Criteria: Ambry Variant Classification Scheme 2023. Collection method: clinical testing. Allele origin: germline.

Quest Diagnostics Nichols Institute San Juan Capistrano
Classification: Likely benign. Last evaluated: 2022-10-09. Review status: criteria provided, single submitter. Criteria: Quest Diagnostics criteria. Collection method: clinical testing. Allele origin: unknown.

Blueprint Genetics
Classification: Likely benign. Last evaluated: 2021-03-24. Review status: criteria provided, single submitter. Criteria: ACMG Guidelines, 2015. Collection method: clinical testing. Allele origin: germline.

Mendelics
Classification: Uncertain significance for Fanconi anemia complementation group U. Last evaluated: 2019-05-28. Review status: criteria provided, single submitter. Criteria: Mendelics Assertion Criteria 2017. Collection method: clinical testing. Allele origin: unknown.

GeneDx
Classification: Uncertain significance. Last evaluated: 2017-03-21. Review status: criteria provided, single submitter. Criteria: GeneDx Variant Classification (06012015). Collection method: clinical testing. Allele origin: germline. Affected: yes.
Comment: This variant is denoted XRCC2 c.613T>G at the cDNA level, p.Ser205Ala (S205A) at the protein level, and results in the change of a Serine to an Alanine (TCA>GCA). This variant has not, to our knowledge, been published in the literature as pathogenic or benign. XRCC2 Ser205Ala was not observed at a significant allele frequency in the NHLBI Exome Sequencing Project. Since Serine and Alanine differ in polarity, charge, size or other properties, this is considered a non-conservative amino acid substitution. XRCC2 Ser205Ala occurs at a position that is not conserved and is located in the ATPase domain (Kim 2011). In silico analyses predict that this variant is unlikely to alter protein structure or function. Based on currently available evidence, it is unclear whether XRCC2 Ser205Ala is a pathogenic or benign variant. We consider it to be a variant of uncertain significance.

Eurofins Ntd Llc (ga)
Classification: Uncertain significance. Last evaluated: 2016-04-29. Review status: criteria provided, single submitter. Criteria: EGL Classification Definitions 2015. Collection method: clinical testing. Allele origin: germline. Observed: 1 variant allele, 1 heterozygote.

Literature cited by the submitters: PubMed 28864920 (cited by Ambry Genetics).